The following is an entry in ClinVar:

ClinVar aggregate classification (germline): Uncertain significance (1 of 4 stars; one submission).

Conditions:
Aicardi-Goutieres syndrome 5. Identifiers: Orphanet 51, MedGen C2749659, MONDO:0013059, OMIM 612952.

Submission:

Labcorp Genetics (formerly Invitae), Labcorp
Classification: Uncertain significance for Aicardi-Goutieres syndrome 5. Last evaluated: 2022-11-01. Review status: criteria provided, single submitter. Criteria: Invitae Variant Classification Sherloc (09022015). Collection method: clinical testing. Allele origin: germline.
Comment: ClinVar contains an entry for this variant (Variation ID: 1386446). In summary, the available evidence is currently insufficient to determine the role of this variant in disease. Therefore, it has been classified as a Variant of Uncertain Significance. Advanced modeling of protein sequence and biophysical properties (such as structural, functional, and spatial information, amino acid conservation, physicochemical variation, residue mobility, and thermodynamic stability) performed at Invitae indicates that this missense variant is not expected to disrupt SAMHD1 protein function. This variant has not been reported in the literature in individuals affected with SAMHD1-related conditions. This variant is not present in population databases (gnomAD no frequency). This sequence change replaces phenylalanine, which is neutral and non-polar, with isoleucine, which is neutral and non-polar, at codon 569 of the SAMHD1 protein (p.Phe569Ile).

NM_015474.4(SAMHD1):c.1705T>A (p.Phe569Ile)

Gene: SAMHD1 (SAM and HD domain containing deoxynucleoside triphosphate triphosphohydrolase 1; minus strand). Cytogenetic location: 20q11.23.
Variant type: single nucleotide variant.
Coding change: c.1705T>A on transcript NM_015474.4 (MANE Select); coding-DNA position 1705, T replaced by A.
Protein change: p.Phe569Ile; replaces phenylalanine 569 with isoleucine.
Molecular consequence: missense variant.
Genome position (GRCh38, 1-based): chr20:36,897,863, A>T on the plus strand (T>A on the coding strand, the complement: SAMHD1 is on the minus strand). VCF-style: chr20-36897863-A-T. GRCh37 (hg19) VCF-style: chr20-35526266-A-T.
Other names: c.1600T>A, p.Phe534Ile (NM_001363729.2); c.1705T>A, p.Phe569Ile (NM_001363733.2); short protein forms F534I, F569I.
Identifiers: ClinVar variation 1386446 (VCV001386446.8), dbSNP rs2148355522, ClinGen allele CA408839403.